The following is an entry in ClinVar:

NM_173648.4(CCDC141):c.4444C>T (p.Arg1482Trp)

Gene: CCDC141 (coiled-coil domain containing 141; minus strand). Cytogenetic location: 2q31.2.
Variant type: single nucleotide variant.
Coding change: c.4444C>T on transcript NM_173648.4 (MANE Select); coding-DNA position 4444, C replaced by T.
Protein change: p.Arg1482Trp; replaces arginine 1482 with tryptophan.
Molecular consequence: missense variant.
Genome position (GRCh38, 1-based): chr2:178,834,322, G>A on the plus strand (C>T on the coding strand, the complement: CCDC141 is on the minus strand). VCF-style: chr2-178834322-G-A. GRCh37 (hg19) VCF-style: chr2-179699049-G-A.
Other names: c.4444C>T (NM_173648.3); short protein forms R1482W.
Identifiers: ClinVar variation 2186556 (VCV002186556.5), dbSNP rs375249342, ClinGen allele CA2006490.

ClinVar aggregate classification (germline): Uncertain significance. Review status: criteria provided, multiple submitters, no conflicts (2 of 4 stars). 2 submissions from 2 submitters: Uncertain significance (2). Last evaluated 2022-10-03.

Allele frequency attached by ClinVar (database versions not stated): ExAC 0.00007.
gnomAD v4.1: 63 of 1,535,860 alleles (0.0041%); highest among the groups gnomAD compares: East Asian, 0.064%; no homozygotes.

Submissions (2):

Ambry Genetics
Classification: Uncertain significance. Last evaluated: 2022-10-03. Review status: criteria provided, single submitter. Criteria: Ambry Variant Classification Scheme 2023. Collection method: clinical testing. Allele origin: germline.

Labcorp Genetics (formerly Invitae), Labcorp
Classification: Uncertain significance. Last evaluated: 2021-12-22. Review status: criteria provided, single submitter. Criteria: Invitae Variant Classification Sherloc (09022015). Collection method: clinical testing. Allele origin: germline.
Comment: This sequence change replaces arginine, which is basic and polar, with tryptophan, which is neutral and slightly polar, at codon 1482 of the CCDC141 protein (p.Arg1482Trp). This variant is present in population databases (rs375249342, gnomAD 0.04%). This variant has not been reported in the literature in individuals affected with CCDC141-related conditions. Algorithms developed to predict the effect of missense changes on protein structure and function output the following: SIFT: "Deleterious"; PolyPhen-2: "Benign"; Align-GVGD: "Class C0". The tryptophan amino acid residue is found in multiple mammalian species, which suggests that this missense change does not adversely affect protein function. In summary, the available evidence is currently insufficient to determine the role of this variant in disease. Therefore, it has been classified as a Variant of Uncertain Significance.